The following is an entry in ClinVar:

ClinVar aggregate classification (germline): Uncertain significance (1 of 4 stars; one submission).

Conditions:
Bardet-Biedl syndrome (BBS). Identifiers: Orphanet 110, MedGen C0752166, MONDO:0015229.

Allele frequency attached by ClinVar (database versions not stated): gnomAD exomes below 0.00001; ExAC 0.00001; gnomAD 0.00001; 1000 Genomes Project 30x 0.00016; 1000 Genomes Project 0.00020.
gnomAD v4.1: 2 of 1,613,850 alleles (0.00012%); highest among the groups gnomAD compares: Admixed American, 0.0033%; no homozygotes.

Submission:

Labcorp Genetics (formerly Invitae), Labcorp
Classification: Uncertain significance for Bardet-Biedl syndrome. Last evaluated: 2023-11-13. Review status: criteria provided, single submitter. Criteria: Invitae Variant Classification Sherloc (09022015). Collection method: clinical testing. Allele origin: germline.
Comment: This sequence change replaces valine, which is neutral and non-polar, with methionine, which is neutral and non-polar, at codon 489 of the TTC8 protein (p.Val489Met). This variant is present in population databases (rs538188579, gnomAD 0.003%). This variant has not been reported in the literature in individuals affected with TTC8-related conditions. ClinVar contains an entry for this variant (Variation ID: 1464492). Advanced modeling of protein sequence and biophysical properties (such as structural, functional, and spatial information, amino acid conservation, physicochemical variation, residue mobility, and thermodynamic stability) performed at Invitae indicates that this missense variant is not expected to disrupt TTC8 protein function with a negative predictive value of 80%. In summary, the available evidence is currently insufficient to determine the role of this variant in disease. Therefore, it has been classified as a Variant of Uncertain Significance.

NM_144596.4(TTC8):c.1495G>A (p.Val499Met)

Gene: TTC8 (tetratricopeptide repeat domain 8; plus strand). Cytogenetic location: 14q31.3.
Variant type: single nucleotide variant.
Coding change: c.1495G>A on transcript NM_144596.4 (MANE Select); coding-DNA position 1495, G replaced by A.
Protein change: p.Val499Met; replaces valine 499 with methionine.
Molecular consequence: missense variant. On other transcripts: non-coding transcript variant (1).
Genome position (GRCh38, 1-based): chr14:88,877,357, G>A. VCF-style: chr14-88877357-G-A. GRCh37 (hg19) VCF-style: chr14-89343701-G-A.
Other names: c.1375G>A, p.Val459Met (NM_198310.3); c.1543G>A, p.Val515Met (NM_001288781.1); c.901G>A, p.Val301Met (NM_001288782.1); c.778G>A, p.Val260Met (NM_001288783.1); c.1381G>A, p.Val461Met (NM_001366535.2); c.1291G>A, p.Val431Met (NM_001366536.2); c.1465G>A, p.Val489Met (NM_198309.3); short protein forms V260M, V301M, V431M, V459M, V461M, V489M, V499M, V515M.
Identifiers: ClinVar variation 1464492 (VCV001464492.6), dbSNP rs538188579, ClinGen allele CA7302786.